The following is an entry in ClinVar:

ClinVar aggregate classification (germline): Uncertain significance (1 of 4 stars; one submission).

Conditions:
Nephronophthisis. Also called: Juvenile Nephronophthisis. Identifiers: Orphanet 655, MedGen C0687120, MONDO:0019005, HP:0000090.

Allele frequency attached by ClinVar (database versions not stated): ExAC 0.00001; TOPMed 0.00001; gnomAD 0.00003; 1000 Genomes Project 0.00040; 1000 Genomes Project 30x 0.00047.
gnomAD v4.1: 7 of 1,613,116 alleles (0.00043%); highest among the groups gnomAD compares: Admixed American, 0.01%; no homozygotes.

Submission:

Labcorp Genetics (formerly Invitae), Labcorp
Classification: Uncertain significance for Nephronophthisis. Last evaluated: 2022-03-04. Review status: criteria provided, single submitter. Criteria: Invitae Variant Classification Sherloc (09022015). Collection method: clinical testing. Allele origin: germline.
Comment: This sequence change replaces leucine, which is neutral and non-polar, with valine, which is neutral and non-polar, at codon 380 of the NPHP4 protein (p.Leu380Val). This variant is present in population databases (rs537282994, gnomAD 0.006%). This variant has not been reported in the literature in individuals affected with NPHP4-related conditions. Algorithms developed to predict the effect of missense changes on protein structure and function are either unavailable or do not agree on the potential impact of this missense change (SIFT: "Deleterious"; PolyPhen-2: "Benign"; Align-GVGD: "Class C0"). In summary, the available evidence is currently insufficient to determine the role of this variant in disease. Therefore, it has been classified as a Variant of Uncertain Significance.

NM_015102.5(NPHP4):c.1138C>G (p.Leu380Val)

Gene: NPHP4 (nephrocystin 4; minus strand). Cytogenetic location: 1p36.31.
Variant type: single nucleotide variant.
Coding change: c.1138C>G on transcript NM_015102.5 (MANE Select); coding-DNA position 1138, C replaced by G.
Protein change: p.Leu380Val; replaces leucine 380 with valine.
Molecular consequence: missense variant. On other transcripts: 5 prime UTR variant (2), non-coding transcript variant (1).
Genome position (GRCh38, 1-based): chr1:5,933,311, G>C on the plus strand (C>G on the coding strand, the complement: NPHP4 is on the minus strand). VCF-style: chr1-5933311-G-C. GRCh37 (hg19) VCF-style: chr1-5993371-G-C.
Other names: c.-229C>G (NM_001291593.2, NM_001291594.2); short protein forms L380V.
Identifiers: ClinVar variation 2051869 (VCV002051869.1), dbSNP rs537282994, ClinGen allele CA554610.